The following is an entry in ClinVar:

NM_000444.6(PHEX):c.1753G>A (p.Gly585Arg)

Genes: PHEX (phosphate regulating endopeptidase X-linked; plus strand), PTCHD1-AS (PTCHD1 and PHEX antisense RNA; minus strand). Cytogenetic location: Xp22.11.
Variant type: single nucleotide variant.
Coding change: c.1753G>A on transcript NM_000444.6 (MANE Select); coding-DNA position 1753, G replaced by A.
Protein change: p.Gly585Arg; replaces glycine 585 with arginine.
Molecular consequence: missense variant.
Genome position (GRCh38, 1-based): chrX:22,219,088, G>A. VCF-style: chrX-22219088-G-A. GRCh37 (hg19) VCF-style: chrX-22237205-G-A.
Other names: c.1753G>A, p.Gly585Arg (NM_001282754.2); short protein forms G585R.
Identifiers: ClinVar variation 438574 (VCV000438574.11), dbSNP rs1556135467, ClinGen allele CA412575822.

ClinVar aggregate classification (germline): Pathogenic. Review status: criteria provided, multiple submitters, no conflicts (2 of 4 stars). 2 submissions from 2 submitters: Pathogenic (2). Last evaluated 2025-07-07.

Conditions:
Familial X-linked hypophosphatemic vitamin D refractory rickets (XLHRD). Also called: X-Linked Hypophosphatemia; Hypophosphatemic Rickets, X-Linked Dominant; HYPOPHOSPHATEMIC VITAMIN D-RESISTANT RICKETS; Hypophosphatemia, vitamin D-resistant rickets; Vitamin D-resistant rickets, X-linked. Identifiers: Orphanet 89936, MedGen C0733682, MONDO:0010619, OMIM 307800.

Submissions (2):

Labcorp Genetics (formerly Invitae), Labcorp
Classification: Pathogenic. Last evaluated: 2025-07-07. Review status: criteria provided, single submitter. Criteria: Invitae Variant Classification Sherloc (09022015). Collection method: clinical testing. Allele origin: germline.
Comment: This sequence change replaces glycine, which is neutral and non-polar, with arginine, which is basic and polar, at codon 585 of the PHEX protein (p.Gly585Arg). This variant is not present in population databases (gnomAD no frequency). This missense change has been observed in individual(s) with hypophosphatemic rickets (PMID: 30298485; internal data). ClinVar contains an entry for this variant (Variation ID: 438574). Invitae Evidence Modeling of protein sequence and biophysical properties (such as structural, functional, and spatial information, amino acid conservation, physicochemical variation, residue mobility, and thermodynamic stability) indicates that this missense variant is expected to disrupt PHEX protein function with a positive predictive value of 95%. Algorithms developed to predict the effect of sequence changes on RNA splicing suggest that this variant may disrupt the consensus splice site. For these reasons, this variant has been classified as Pathogenic.

Institute of Human Genetics Munich, TUM University Hospital
Classification: Pathogenic for Familial X-linked hypophosphatemic vitamin D refractory rickets. Last evaluated: 2013-10-28. Review status: criteria provided, single submitter. Criteria: Classification criteria August 2017. Collection method: clinical testing. Allele origin: germline. Inheritance: X-linked inheritance. Affected: yes. Observed: 1 heterozygote.

Literature cited by the submitters: PubMed 30298485 (cited by Labcorp Genetics (formerly Invitae), Labcorp).